The following is an entry in ClinVar:

ClinVar aggregate classification (germline): Pathogenic. Review status: criteria provided, single submitter (1 of 4 stars). 2 submissions from 2 submitters: Pathogenic (1). 1 of the submissions does not count toward it. Last evaluated 2025-04-09.

Conditions:
Glucocorticoid deficiency 4. Also called: Glucocorticoid deficiency 4 with or without mineralocorticoid deficiency. Identifiers: Orphanet 361, MedGen C3553587, MONDO:0013874, OMIM 614736.

Allele frequency attached by ClinVar (database versions not stated): TOPMed 0.00001.

Submissions (2):

3billion
Classification: Pathogenic for Glucocorticoid deficiency 4. Last evaluated: 2025-04-09. Review status: criteria provided, single submitter. Criteria: ACMG Guidelines, 2015. Collection method: clinical testing. Allele origin: germline. Affected: yes.
Comment: The variant is observed at an extremely low frequency in the gnomAD v4.1.0 dataset (total allele frequency: <0.001%). Predicted Consequence/Location:Stop-gained (nonsense): predicted to result in a loss or disruption of normal protein function through nonsense-mediated decay (NMD) or protein truncation. Multiple pathogenic variants are reported downstream of the variant. The variant was homozygous. The variant has been reported to be associated with NNT-related disorder (ClinVar ID: VCV000265844). Therefore, this variant is classified as Pathogenic according to the recommendation of ACMG/AMP guideline.

OMIM
Classification: Pathogenic for GLUCOCORTICOID DEFICIENCY 4 WITH OR WITHOUT MINERALOCORTICOID DEFICIENCY. Last evaluated: 2016-10-11. Review status: no assertion criteria provided. Collection method: literature only. Allele origin: germline. Not counted in ClinVar's aggregate classification.

Literature cited by the submitters: PubMed 27129361 (cited by OMIM).

NM_182977.3(NNT):c.211C>T (p.Arg71Ter)

Gene: NNT (nicotinamide nucleotide transhydrogenase; plus strand). Cytogenetic location: 5p12.
Variant type: single nucleotide variant.
Coding change: c.211C>T on transcript NM_182977.3 (MANE Select); coding-DNA position 211, C replaced by T.
Protein change: p.Arg71Ter; replaces arginine 71 with a stop codon.
Molecular consequence: nonsense. On other transcripts: intron variant (1).
Genome position (GRCh38, 1-based): chr5:43,612,967, C>T. VCF-style: chr5-43612967-C-T. GRCh37 (hg19) VCF-style: chr5-43613069-C-T.
Other names: c.211C>T, p.Arg71Ter (NM_012343.4); c.-12-2881C>T (NM_001331026.2); short protein forms R71*.
Identifiers: ClinVar variation 265844 (VCV000265844.2), dbSNP rs886039790, ClinGen allele CA10588839.